The following is an entry in ClinVar:

NC_000023.10:g.(?_113818282)_(115590299_?)del

Genes: AGTR2 (angiotensin II receptor type 2; plus strand), DANT2 (DXZ4 associated non-coding transcript 2, distal; minus strand), HTR2C (5-hydroxytryptamine receptor 2C; plus strand), IL13RA2 (interleukin 13 receptor subunit alpha 2; minus strand), LRCH2 (leucine rich repeats and calponin homology domain containing 2; minus strand) and 5 more. Cytogenetic location: Xq23.
Variant type: Deletion.
Identifiers: ClinVar variation 3246674 (VCV003246674.1).

ClinVar aggregate classification (germline): Pathogenic (1 of 4 stars; one submission).

Submission:

Labcorp Genetics (formerly Invitae), Labcorp
Classification: Pathogenic. Last evaluated: 2023-11-20. Review status: criteria provided, single submitter. Criteria: Invitae Variant Classification Sherloc (09022015). Collection method: clinical testing. Allele origin: unknown.
Comment: A gross deletion of the genomic region encompassing the full coding sequence of the PLS3 gene has been identified. Loss-of-function variants in PLS3 are known to be pathogenic (PMID: 24088043, 30405713, 33166085). The boundaries of this event are unknown as they extend beyond the assayed region for this gene and therefore may encompass additional genes. Isolated whole-gene deletions of PLS3 have not been reported in the literature. However, larger copy number events that include this gene have been reported (PMID: 28605746). For these reasons, this variant has been classified as Pathogenic.

Literature cited by the submitters: PubMed 24088043; PubMed 30405713; PubMed 33166085; PubMed 28605746.